The following is an entry in ClinVar:

ClinVar aggregate classification (germline): Uncertain significance. Review status: criteria provided, multiple submitters, no conflicts (2 of 4 stars). 2 submissions from 2 submitters: Uncertain significance (2). Last evaluated 2024-06-30.

Conditions:
Aortic aneurysm, familial thoracic 7 (AAT7). Also called: AORTIC DISSECTION, FAMILIAL, WITH OR WITHOUT AORTIC ANEURYSM. Identifiers: MedGen C3151077, MONDO:0013418, OMIM 613780.
Familial thoracic aortic aneurysm and aortic dissection (TAAD). Also called: Thoracic aortic aneurysms and dissections. Identifiers: Orphanet 91387, MedGen C4707243, MONDO:0019625.

Allele frequency attached by ClinVar (database versions not stated): gnomAD exomes below 0.00001; TOPMed 0.00001.
gnomAD v4.1: 1 of 1,614,192 alleles (0.000062%); highest among the groups gnomAD compares: Non-Finnish European, 0.000085%; no homozygotes.

Submissions (2):

Ambry Genetics
Classification: Uncertain significance for Familial thoracic aortic aneurysm and aortic dissection. Last evaluated: 2024-06-30. Review status: criteria provided, single submitter. Criteria: Ambry Variant Classification Scheme 2023. Collection method: clinical testing. Allele origin: germline.
Comment: The p.P1244S variant (also known as c.3730C>T), located in coding exon 19 of the MYLK gene, results from a C to T substitution at nucleotide position 3730. The proline at codon 1244 is replaced by serine, an amino acid with similar properties. This amino acid position is conserved. In addition, the in silico prediction for this alteration is inconclusive. Based on the available evidence, the clinical significance of this variant remains unclear.

Labcorp Genetics (formerly Invitae), Labcorp
Classification: Uncertain significance for Aortic aneurysm, familial thoracic 7. Last evaluated: 2022-10-22. Review status: criteria provided, single submitter. Criteria: Invitae Variant Classification Sherloc (09022015). Collection method: clinical testing. Allele origin: germline.
Comment: This sequence change replaces proline, which is neutral and non-polar, with serine, which is neutral and polar, at codon 1244 of the MYLK protein (p.Pro1244Ser). This variant is not present in population databases (gnomAD no frequency). This variant has not been reported in the literature in individuals affected with MYLK-related conditions. Advanced modeling of protein sequence and biophysical properties (such as structural, functional, and spatial information, amino acid conservation, physicochemical variation, residue mobility, and thermodynamic stability) performed at Invitae indicates that this missense variant is not expected to disrupt MYLK protein function. In summary, the available evidence is currently insufficient to determine the role of this variant in disease. Therefore, it has been classified as a Variant of Uncertain Significance.

NM_053025.4(MYLK):c.3730C>T (p.Pro1244Ser)

Gene: MYLK (myosin light chain kinase; minus strand). Cytogenetic location: 3q21.1.
Variant type: single nucleotide variant.
Coding change: c.3730C>T on transcript NM_053025.4 (MANE Select); coding-DNA position 3730, C replaced by T.
Protein change: p.Pro1244Ser; replaces proline 1244 with serine.
Molecular consequence: missense variant.
Genome position (GRCh38, 1-based): chr3:123,666,320, G>A on the plus strand (C>T on the coding strand, the complement: MYLK is on the minus strand). VCF-style: chr3-123666320-G-A. GRCh37 (hg19) VCF-style: chr3-123385167-G-A.
Other names: c.3730C>T (NM_053025.3); c.3202C>T, p.Pro1068Ser (NM_001321309.2); c.3523C>T, p.Pro1175Ser (NM_053026.4, NM_053028.4); c.3730C>T, p.Pro1244Ser (NM_053027.4); short protein forms P1068S, P1175S, P1244S.
Identifiers: ClinVar variation 2051805 (VCV002051805.2), dbSNP rs2059732577, ClinGen allele CA354230618.